The following is an entry in ClinVar:

ClinVar aggregate classification (germline): Uncertain significance (1 of 4 stars; one submission).

Conditions:
Pityriasis rubra pilaris (PRP). Also called: Pityriasis rubra pilaris--familial type. Identifiers: Orphanet 2897, MedGen C0032027, MONDO:0100017, OMIM 173200, MONDO:0008251.
Psoriasis 2. Identifiers: MedGen C1864497, MONDO:0011269, OMIM 602723.

gnomAD v4.1: 3 of 1,483,778 alleles (0.0002%); highest among the groups gnomAD compares: Non-Finnish European, 0.00018%; no homozygotes.

Submission:

Labcorp Genetics (formerly Invitae), Labcorp
Classification: Uncertain significance for Pityriasis rubra pilaris; Psoriasis 2. Last evaluated: 2019-10-11. Review status: criteria provided, single submitter. Criteria: Invitae Variant Classification Sherloc (09022015). Collection method: clinical testing. Allele origin: germline.
Comment: This sequence change falls in intron 3 of the CARD14 gene. It does not directly change the encoded amino acid sequence of the CARD14 protein, but it affects a nucleotide within the consensus splice site of the intron. The frequency data for this variant in the population databases is considered unreliable, as metrics indicate insufficient coverage at this position in the ExAC database. This variant has not been reported in the literature in individuals with CARD14-related conditions. Nucleotide substitutions within the consensus splice site are a relatively common cause of aberrant splicing (PMID: 17576681, 9536098). Algorithms developed to predict the effect of sequence changes on RNA splicing suggest that this variant is not likely to affect RNA splicing, but this prediction has not been confirmed by published transcriptional studies. In summary, the available evidence is currently insufficient to determine the role of this variant in disease. Therefore, it has been classified as a Variant of Uncertain Significance.

Literature cited by the submitters: PubMed 17576681; PubMed 9536098.

NM_001366385.1(CARD14):c.350-3C>T

Gene: CARD14 (caspase recruitment domain family member 14; plus strand). Cytogenetic location: 17q25.3.
Variant type: single nucleotide variant.
Coding change: c.350-3C>T on transcript NM_001366385.1 (MANE Select); 3 bases into the intron before coding-DNA position 350, C replaced by T.
Molecular consequence: intron variant.
Genome position (GRCh38, 1-based): chr17:80,183,910, C>T. VCF-style: chr17-80183910-C-T. GRCh37 (hg19) VCF-style: chr17-78157709-C-T.
Other names: c.350-3C>T (NM_024110.4, NM_001257970.1).
Identifiers: ClinVar variation 942273 (VCV000942273.10), dbSNP rs1211651561, ClinGen allele CA1139665921.